The following is an entry in ClinVar:

NM_004655.4(AXIN2):c.2200G>T (p.Ala734Ser)

Gene: AXIN2 (axin 2; minus strand). Cytogenetic location: 17q24.1.
Variant type: single nucleotide variant.
Coding change: c.2200G>T on transcript NM_004655.4 (MANE Select); coding-DNA position 2200, G replaced by T.
Protein change: p.Ala734Ser; replaces alanine 734 with serine.
Molecular consequence: missense variant.
Genome position (GRCh38, 1-based): chr17:65,535,663, C>A on the plus strand (G>T on the coding strand, the complement: AXIN2 is on the minus strand). VCF-style: chr17-65535663-C-A. GRCh37 (hg19) VCF-style: chr17-63531781-C-A.
Other names: c.2005G>T, p.Ala669Ser (NM_001363813.1); short protein forms A734S, A669S.
Identifiers: ClinVar variation 5032509 (VCV005032509.1).

ClinVar aggregate classification (germline): Uncertain significance (1 of 4 stars; one submission).

Conditions:
Hereditary cancer-predisposing syndrome. Also called: Neoplastic Syndromes, Hereditary; Tumor predisposition; Hereditary neoplastic syndrome; Hereditary Cancer Syndrome. Identifiers: Orphanet 140162, MedGen C0027672, MeSH D009386, MONDO:0015356.

Submission:

Ambry Genetics
Classification: Uncertain significance for Hereditary cancer-predisposing syndrome. Last evaluated: 2026-07-07. Review status: criteria provided, single submitter. Criteria: Ambry Variant Classification Scheme 2023. Collection method: clinical testing. Allele origin: germline.
Comment: The p.A734S variant (also known as c.2200G>T), located in coding exon 8 of the AXIN2 gene, results from a G to T substitution at nucleotide position 2200. The alanine at codon 734 is replaced by serine, an amino acid with similar properties. This amino acid position is conserved. In addition, this alteration is predicted to be tolerated by in silico analysis. Based on the available evidence, the clinical significance of this variant remains unclear.